The following is an entry in ClinVar:

ClinVar aggregate classification (germline): Uncertain significance (1 of 4 stars; one submission).

Conditions:
Encephalopathy, acute, infection-induced (herpes-specific), susceptibility to, 6. Also called: Herpes simplex encephalitis, susceptibility to, 4. Identifiers: Orphanet 1930, MedGen C3553869, MONDO:0013921, OMIM 614850.

Allele frequency attached by ClinVar (database versions not stated): ExAC 0.00002; 1000 Genomes Project 30x 0.00031; TOPMed 0.00004; gnomAD exomes 0.00001; gnomAD 0.00005; 1000 Genomes Project 0.00040.
gnomAD v4.1: 25 of 1,614,154 alleles (0.0015%); highest among the groups gnomAD compares: Middle Eastern, 0.033%; no homozygotes.

Submission:

Labcorp Genetics (formerly Invitae), Labcorp
Classification: Uncertain significance for Encephalopathy, acute, infection-induced (herpes-specific), susceptibility to, 6. Last evaluated: 2022-06-26. Review status: criteria provided, single submitter. Criteria: Invitae Variant Classification Sherloc (09022015). Collection method: clinical testing. Allele origin: germline.
Comment: This sequence change replaces tyrosine, which is neutral and polar, with cysteine, which is neutral and slightly polar, at codon 580 of the TICAM1 protein (p.Tyr580Cys). This variant is present in population databases (rs146025102, gnomAD 0.01%). This variant has not been reported in the literature in individuals affected with TICAM1-related conditions. Algorithms developed to predict the effect of missense changes on protein structure and function (SIFT, PolyPhen-2, Align-GVGD) all suggest that this variant is likely to be tolerated. In summary, the available evidence is currently insufficient to determine the role of this variant in disease. Therefore, it has been classified as a Variant of Uncertain Significance.

NM_182919.4(TICAM1):c.1739A>G (p.Tyr580Cys)

Gene: TICAM1 (TIR domain containing adaptor molecule 1; minus strand). Cytogenetic location: 19p13.3.
Variant type: single nucleotide variant.
Coding change: c.1739A>G on transcript NM_182919.4 (MANE Select); coding-DNA position 1739, A replaced by G.
Protein change: p.Tyr580Cys; replaces tyrosine 580 with cysteine.
Molecular consequence: missense variant.
Genome position (GRCh38, 1-based): chr19:4,816,639, T>C on the plus strand (A>G on the coding strand, the complement: TICAM1 is on the minus strand). VCF-style: chr19-4816639-T-C. GRCh37 (hg19) VCF-style: chr19-4816651-T-C.
Other names: c.1697A>G, p.Tyr566Cys (NM_001385678.1); c.1604A>G, p.Tyr535Cys (NM_001385679.1); c.1097A>G, p.Tyr366Cys (NM_001385680.1); short protein forms Y535C, Y566C, Y366C, Y580C.
Identifiers: ClinVar variation 1462204 (VCV001462204.3), dbSNP rs146025102, ClinGen allele CA9105078.
Genomic context (GRCh38, chr19:4,816,639, plus strand): 5'-CCAGTCCCAAATGACATGTGGCTCCCAAAAGCCACCTGGAGCTGCTCCATCTGTGCCTGG[T>C]AGGACAAGTAGCTCTGGAGGTAGGCTGAGTAGGCTGCGTTCAGTGCCGCCGCCTGCATCC-3'
Protein context (NP_891549.1, residues 570-590): YSAYLQSYLS[Tyr580Cys]QAQMEQLQVA